The following is an entry in ClinVar:

NM_012154.5(AGO2):c.541TTC[1] (p.Phe182del)

Genes: AGO2 (argonaute RISC catalytic component 2; minus strand), LOC126860545 (MED14-independent group 3 enhancer GRCh37_chr8:141569579-141570778; plus strand). Cytogenetic location: 8q24.3.
Variant type: Microsatellite.
Coding change: c.541TTC[1] on transcript NM_012154.5 (MANE Select); one copy of the 3-base unit TTC starting at c.541; the reference has two copies in a row; one copy, 3 bases deleted; also written c.544_546del.
Protein change: p.Phe182del; deletes phenylalanine 182.
Molecular consequence: inframe deletion.
Genome position (GRCh38, 1-based): chr8:140,560,483-140,560,485, GAA deleted on the plus strand (TTC on the coding strand, the reverse complement: AGO2 is on the minus strand); deleting any 3 consecutive bases within chr8:140,560,483-140,560,489 gives the same sequence; the position shown is the placement nearest the transcript's 3' end. VCF-style (leftmost placement, unchanged base first): chr8-140560482-TGAA-T. GRCh37 (hg19) VCF-style: chr8-141570581-TGAA-T.
Other names: c.544_546del (NM_012154.5, NM_012154.3); c.541TTC[1], p.Phe182del (NM_001164623.3); short protein forms F182del.
Identifiers: ClinVar variation 995795 (VCV000995795.2), dbSNP rs2073180302, ClinGen allele CA1824704817.

ClinVar aggregate classification (germline): Pathogenic. Review status: criteria provided, single submitter (1 of 4 stars). 2 submissions from 2 submitters: Pathogenic (1). 1 of the submissions does not count toward it. Last evaluated 2023-05-22.

Conditions:
Lessel-Kreienkamp syndrome. Identifiers: MedGen C5436892, MONDO:0030897, OMIM 619149.

Submissions (2):

GeneDx
Classification: Pathogenic. Last evaluated: 2023-05-22. Review status: criteria provided, single submitter. Criteria: GeneDx Variant Classification Process June 2021. Collection method: clinical testing. Allele origin: germline. Affected: yes.
Comment: In vitro studies demonstrate that this variant results in reduction of activity (Lessel et al., 2020); In silico analysis supports a deleterious effect on protein structure/function; In-frame deletion of 1 amino acid in a non-repeat region predicted to critically alter the protein; Not observed at significant frequency in large population cohorts (gnomAD); This variant is associated with the following publications: (PMID: 33199684)

OMIM
Classification: Pathogenic for LESSEL-KREIENKAMP SYNDROME. Last evaluated: 2021-01-20. Review status: no assertion criteria provided. Collection method: literature only. Allele origin: germline. Not counted in ClinVar's aggregate classification.

Literature cited by the submitters: PubMed 33199684 (cited by OMIM).